The following is an entry in ClinVar:

ClinVar aggregate classification (germline): Benign (1 of 4 stars; one submission).

Conditions:
Lynch syndrome 4 (LYNCH4). Also called: Colorectal cancer, hereditary nonpolyposis, type 4; Hereditary non-polyposis colorectal cancer, type 4. Identifiers: Orphanet 144, MedGen C1838333, MONDO:0013699, OMIM 614337. Disease mechanism: loss of function.

gnomAD v4.1: 2 of 1,301,548 alleles (0.00015%); highest among the groups gnomAD compares: Non-Finnish European, 0.00022%; no homozygotes.

Submission:

Myriad Genetics, Inc.
Classification: Benign for Lynch syndrome 4. Last evaluated: 2025-01-28. Review status: criteria provided, single submitter. Criteria: Myriad Autosomal Dominant, Autosomal Recessive and X-Linked Classification Criteria (2023). Collection method: clinical testing. Allele origin: unknown.
Comment: This variant is considered benign. This variant is intronic and is not expected to impact mRNA splicing.

NM_000535.7(PMS2):c.804-45C>A

Gene: PMS2 (PMS1 homolog 2, mismatch repair system component; minus strand). Cytogenetic location: 7p22.1.
Variant type: single nucleotide variant.
Coding change: c.804-45C>A on transcript NM_000535.7 (MANE Select); 45 bases into the intron before coding-DNA position 804, C replaced by A.
Molecular consequence: intron variant.
Genome position (GRCh38, 1-based): chr7:5,995,678, G>T on the plus strand (C>A on the coding strand, the complement: PMS2 is on the minus strand). VCF-style: chr7-5995678-G-T. GRCh37 (hg19) VCF-style: chr7-6035309-G-T.
Other names: c.486-45C>A (NM_001322008.2, NM_001406902.1, NM_001406883.1 and 4 more transcripts); c.495-45C>A (NM_001406881.1, NM_001406879.1, NM_001322015.2 and 6 more transcripts); c.399-45C>A (NM_001406895.1, NM_001322010.2, NM_001322004.2 and 19 more transcripts); c.133-3621C>A (NM_001406911.1); c.291-45C>A (NM_001406904.1, NM_001406905.1); c.231-45C>A (NM_001322013.2, NM_001406909.1); c.-130-45C>A (NM_001322012.2, NM_001322011.2); c.468-45C>A (NM_001406885.1); and 8 more.
Identifiers: ClinVar variation 3903630 (VCV003903630.1).